The following is an entry in ClinVar:

ClinVar aggregate classification (germline): Pathogenic/Likely pathogenic. Review status: criteria provided, multiple submitters, no conflicts (2 of 4 stars). 12 submissions from 12 submitters: Pathogenic (1); Likely pathogenic (10). 1 of the submissions does not count toward it. Last evaluated 2026-08-13.

Conditions:
MYBPC3-related disorder. Also called: MYBPC3-related disorders; MYBPC3-related condition; MYBPC3-related disease.
Cardiovascular phenotype. Identifiers: MedGen CN230736.
Cardiomyopathy (CMYO). Also called: Cardiomyopathies. Identifiers: Orphanet 167848, MedGen C0878544, MONDO:0004994, HP:0001638. Inheritance: Various modes of inheritance.
Primary familial hypertrophic cardiomyopathy (HCM). Identifiers: Orphanet 99739, MedGen C0949658, MeSH D024741, MONDO:0024573. Inheritance: Various modes of inheritance.
Hypertrophic cardiomyopathy 4. Also called: Familial hypertrophic cardiomyopathy 4. Identifiers: MedGen C1861862, MONDO:0007268, OMIM 115197.
Hypertrophic cardiomyopathy. Also called: HYPERTROPHIC MYOCARDIOPATHY. Identifiers: Orphanet 217569, MedGen C0007194, MeSH D002312, MONDO:0005045, HP:0001639.

Allele frequency attached by ClinVar (database versions not stated): gnomAD exomes below 0.00001; TOPMed 0.00001.
gnomAD v4.1: 3 of 1,610,492 alleles (0.00019%); highest among the groups gnomAD compares: African/African-American, 0.004%; no homozygotes.

Submissions 1 to 8 of 12:

PreventionGenetics, part of Exact Sciences
Classification: Likely pathogenic for MYBPC3-related condition. Last evaluated: 2026-08-13. Review status: criteria provided, single submitter. Criteria: ACMG Guidelines, 2015. Collection method: clinical testing. Allele origin: germline.
Comment: The MYBPC3 c.3815-1G>A variant is predicted to disrupt the AG splice acceptor site and interfere with normal splicing. This variant resides in the splice acceptor site of the final coding exon of MYBPC3, and it is not expected to undergo nonsense-mediated decay. It is predicted to lead to skipping of exon 34 (3 amino acids) and an extension of the protein into the former non-coding exon 35 (Li et al. 2024. PubMed ID: 39669589). It has been reported in at least four individuals with a diagnosis or clinical suspicion of hypertrophic cardiomyopathy (HCM) (see, for example, Table S7, Alfares et al. 2015. PubMed ID: 25611685; Table S2, Hathaway et al. 2021. PubMed ID: 33673806; Table S2, Tadros et al. 2021. PubMed ID: 33495596). This variant is reported in 0.0068% of alleles in individuals of African descent in gnomAD. Variants that disrupt the consensus splice acceptor site in MYBPC3 are expected to be pathogenic. Based on the available evidence, we classify this variant as likely pathogenic.

Labcorp Genetics (formerly Invitae), Labcorp
Classification: Pathogenic for Hypertrophic cardiomyopathy. Last evaluated: 2026-01-21. Review status: criteria provided, single submitter. Criteria: Invitae Variant Classification Sherloc (09022015). Collection method: clinical testing. Allele origin: germline.
Comment: This sequence change affects an acceptor splice site in intron 33 of the MYBPC3 gene. While this variant is not anticipated to result in nonsense mediated decay, it likely alters RNA splicing and results in a disrupted protein product. This variant is present in population databases (rs397516044, gnomAD 0.007%). Disruption of this splice site has been observed in individuals with clinical features of hypertrophic cardiomyopathy (PMID: 25611685, 27532257, 33673806, 37652022; internal data). ClinVar contains an entry for this variant (Variation ID: 42746). Variants that disrupt the consensus splice site are a relatively common cause of aberrant splicing (PMID: 17576681, 9536098). Algorithms developed to predict the effect of sequence changes on RNA splicing suggest that this variant may disrupt the consensus splice site. For these reasons, this variant has been classified as Pathogenic.

GeneDx
Classification: Likely pathogenic. Last evaluated: 2025-08-25. Review status: criteria provided, single submitter. Criteria: GeneDx Variant Classification Process June 2021. Collection method: clinical testing. Allele origin: germline. Affected: yes.
Comment: Identified in multiple patients with cardiomyopathy referred for genetic testing at GeneDx and in the published literature (PMID: 25611685, 27532257, 33673806, 33663232, 37652022); Not observed at significant frequency in large population cohorts (gnomAD); Canonical splice site variant with an unclear effect on protein function; This variant is associated with the following publications: (PMID: 25611685, 27532257, 33673806, 33663232, 37652022, 39669589, 33495596, 33495597)

Women's Health and Genetics/Laboratory Corporation of America, LabCorp
Classification: Likely pathogenic for Primary familial hypertrophic cardiomyopathy. Last evaluated: 2024-07-23. Review status: criteria provided, single submitter. Criteria: LabCorp Variant Classification Summary - May 2015. Collection method: clinical testing. Allele origin: germline.
Comment: Variant summary: MYBPC3 c.3815-1G>A is located in a canonical splice-site and is predicted to affect mRNA splicing resulting in a significantly altered protein due to either exon skipping, shortening, or inclusion of intronic material. Several computational tools predict a significant impact on normal splicing: four predict the variant abolishes a 3' acceptor site. However, these predictions have yet to be confirmed by functional studies. The variant is located in intron 33, and the potentially skipped penultimate exon (exon 34) only encodes the last 3 amino acids of the protein, thus the protein level effect of this variant is unclear. The variant allele was found at a frequency of 4.1e-06 in 242650 control chromosomes (gnomAD). c.3815-1G>A has been reported in the literature in individuals affected with Hypertrophic Cardiomyopathy (e.g. Alfares_2015, Walsh_2017, Tadros_2021, Harper_2021, Hathaway_2021, Schafer_2021, McGurk_2023). These data indicate that the variant is likely to be associated with disease. To our knowledge, no experimental evidence demonstrating an impact on protein function has been reported. ClinVar contains an entry for this variant (Variation ID: 42746). The following publications have been ascertained in the context of this evaluation (PMID: 25611685, 27532257, 33495596, 33495597, 33673806, 33663232, 37652022). Based on the evidence outlined above, the variant was classified as likely pathogenic.

All of Us Research Program, National Institutes of Health
Classification: Likely pathogenic for Hypertrophic cardiomyopathy. Last evaluated: 2024-05-14. Review status: criteria provided, single submitter. Criteria: ACMG Guidelines, 2015. Collection method: clinical testing. Allele origin: germline. Inheritance: Autosomal dominant inheritance. Observed: 3 variant alleles, 3 heterozygotes.
Comment: This variant causes a G to A nucleotide substitution at the -1 position of intron 33 of the MYBPC3 gene. Splice site prediction tools predict that this variant may have a significant impact on RNA splicing. The mutant transcript is expected to escape nonsense-mediated decay and be expressed as a protein product containing altered C-terminal sequence. To our knowledge, protein functional studies have not been reported for this variant. This variant has been reported in at least fourteen individuals affected with hypertrophic cardiomyopathy including an affected family member (PMID: 25611685, 27532257, 33495596, 33495597, 33663232, 33673806; communication with external laboratories: ClinVar SCV000739990.4, SCV000208208.11). This variant has been identified in 1/242650 chromosomes in the general population by the Genome Aggregation Database (gnomAD). Based on the available evidence, this variant is classified as Likely Pathogenic.

This study involves interpretation of variants in research participants for the purpose of population health screening. Participant phenotype was not available at the time of variant classification. Additional details can be found in publication PMID: 35346344, PMCID: PMC8962531

Color Diagnostics, LLC DBA Color Health
Classification: Likely pathogenic for Cardiomyopathy. Last evaluated: 2024-03-14. Review status: criteria provided, single submitter. Criteria: ACMG Guidelines, 2015. Collection method: clinical testing. Allele origin: germline.
Comment: This variant causes a G to A nucleotide substitution at the -1 position of intron 33 of the MYBPC3 gene. Splice site prediction tools predict that this variant may have a significant impact on RNA splicing. The mutant transcript is expected to escape nonsense-mediated decay and be expressed as a protein product containing altered C-terminal sequence. To our knowledge, protein functional studies have not been reported for this variant. This variant has been reported in over 10 individuals affected with hypertrophic cardiomyopathy including an affected family member (PMID: 25611685, 27532257, 33495596, 33495597, 33663232, 33673806; communication with external laboratories: ClinVar SCV000739990.4, SCV000208208.11). This variant has been identified in 1/242650 chromosomes in the general population by the Genome Aggregation Database (gnomAD). Based on the available evidence, this variant is classified as Likely Pathogenic.

Clinical Genomics Laboratory, Stanford Medicine
Classification: Likely pathogenic for Hypertrophic cardiomyopathy 4. Last evaluated: 2022-09-02. Review status: criteria provided, single submitter. Criteria: ACMG Guidelines, 2015. Collection method: clinical testing. Allele origin: germline. Inheritance: Autosomal dominant inheritance. Affected: yes. Observed: 1 variant allele, 1 heterozygote.
Comment: The c.3815-1G>A variant in the MYBPC3 gene has been previously reported in 3 unrelated individuals with HCM (Alfares et al., 2015; Walsh et al., 2017; Hathaway et al., 2021). This variant has also been identified in 1/14604 African/African American chromosomes by the Genome Aggregation Database. This variant is present in ClinVar (Variation ID: 42746). This variant alters the canonical acceptor splice site in intron 32, which is predicted to result in abnormal gene splicing. Heterozygous loss of function is an established mechanism of disease for the MYBPC3 gene.These data were assessed using the ACMG/AMP variant interpretation guidelines. In summary, there is sufficient evidence to classify the c.38151G>A variant as likely pathogenic for autosomal dominant hypertrophic cardiomyopathy based on the information above. [ACMG evidence codes used: PVS1_Strong; PS4_Supporting; PM2]_x000D_

Blueprint Genetics
Classification: Likely pathogenic for MYBPC3-related disorders. Last evaluated: 2022-01-26. Review status: criteria provided, single submitter. Criteria: ACMG Guidelines, 2015. Collection method: clinical testing. Allele origin: germline. Affected: yes. Observed: 1 variant allele.

NM_000256.3(MYBPC3):c.3815-1G>A

Gene: MYBPC3 (myosin binding protein C3; minus strand). Cytogenetic location: 11p11.2.
Variant type: single nucleotide variant.
Coding change: c.3815-1G>A on transcript NM_000256.3 (MANE Select); the canonical splice acceptor site of the intron before coding-DNA position 3815, G replaced by A.
Molecular consequence: splice acceptor variant.
Genome position (GRCh38, 1-based): chr11:47,331,882, C>T on the plus strand (G>A on the coding strand, the complement: MYBPC3 is on the minus strand). VCF-style: chr11-47331882-C-T. GRCh37 (hg19) VCF-style: chr11-47353433-C-T.
Identifiers: ClinVar variation 42746 (VCV000042746.30), dbSNP rs397516044, ClinGen allele CA014984.
Genomic context (GRCh38, chr11:47,331,882, plus strand): 5'-CCTGGGTGTCGGGTGGTACATACCTGGCCATCCCCAGGAGCCAGCCTGGTCACTGAGGCA[C>T]TGCAGAAGAGGAGGCCATGTCACTGTGTCCTCCCAGCCTTCTGGAAGCTATTGCCCATCT-3'